The following is an entry in ClinVar:

NM_001379500.1(COL18A1):c.798+9C>A

Gene: COL18A1 (collagen type XVIII alpha 1 chain; plus strand). Cytogenetic location: 21q22.3.
Variant type: single nucleotide variant.
Coding change: c.798+9C>A on transcript NM_001379500.1 (MANE Select); 9 bases into the intron after coding-DNA position 798, C replaced by A.
Molecular consequence: intron variant.
Genome position (GRCh38, 1-based): chr21:45,475,544, C>A. VCF-style: chr21-45475544-C-A. GRCh37 (hg19) VCF-style: chr21-46895458-C-A.
Other names: c.1338+9C>A (NM_030582.3, NM_030582.4); c.2043+9C>A (NM_130444.3).
Identifiers: ClinVar variation 1628223 (VCV001628223.10), dbSNP rs765295059, ClinGen allele CA10065903.
Genomic context (GRCh38, chr21:45,475,544, plus strand): 5'-AGACTCTGGCAGCGGGCTCGGGGACGCCCGGGAGCTTCTCAGGGAGGAGACGGTGAGTAG[C>A]CGGACGGGGCCCAGCCCACGCTGCAGGGTCCCGGGAGAGCCCCTCCCAGCAGTGGGGTGA-3'

ClinVar aggregate classification (germline): Likely benign. Review status: criteria provided, multiple submitters, no conflicts (2 of 4 stars). 3 submissions from 3 submitters: Likely benign (3). Last evaluated 2026-03-26.

Conditions:
COL18A1-related disorder. Also called: COL18A1-related disorders; COL18A1-related condition.

Allele frequency attached by ClinVar (database versions not stated): gnomAD 0.00001; gnomAD exomes 0.00004 and 0.00025; TOPMed 0.00012; ExAC 0.00018.
gnomAD v4.1: 61 of 1,601,936 alleles (0.0038%); highest among the groups gnomAD compares: Admixed American, 0.1%; no homozygotes.

Submissions (3):

PreventionGenetics, part of Exact Sciences
Classification: Likely benign for COL18A1-related condition. Last evaluated: 2026-03-26. Review status: criteria provided, single submitter. Criteria: ACMG Guidelines, 2015. Collection method: clinical testing. Allele origin: germline.
Comment: This variant is classified as likely benign based on ACMG/AMP sequence variant interpretation guidelines (Richards et al. 2015 PMID: 25741868, with internal and published modifications).

Labcorp Genetics (formerly Invitae), Labcorp
Classification: Likely benign. Last evaluated: 2026-01-05. Review status: criteria provided, single submitter. Criteria: Invitae Variant Classification Sherloc (09022015). Collection method: clinical testing. Allele origin: germline.

Blueprint Genetics
Classification: Likely benign. Last evaluated: 2024-09-20. Review status: criteria provided, single submitter. Criteria: ACMG Guidelines, 2015. Collection method: clinical testing. Allele origin: germline.